The following is an entry in ClinVar:

ClinVar aggregate classification (germline): Benign. Review status: criteria provided, multiple submitters, no conflicts (2 of 4 stars). 4 submissions from 4 submitters: Benign (3). 1 of the submissions does not count toward it. Last evaluated 2026-02-01.

Conditions:
FBN3-related disorder. Also called: FBN3-related condition.

Allele frequency attached by ClinVar (database versions not stated): ESP Exome Variant Server 0.00677; TOPMed 0.02697; ExAC 0.06475; gnomAD 0.01967 and 0.02929; gnomAD exomes 0.06731; 1000 Genomes Project 30x 0.11540; 1000 Genomes Project 0.11961.
gnomAD v4.1: 43,256 of 1,613,118 alleles (2.7%); highest among the groups gnomAD compares: South Asian, 21%; 3,749 homozygotes.

Submissions (4):

Labcorp Genetics (formerly Invitae), Labcorp
Classification: Benign. Last evaluated: 2026-02-01. Review status: criteria provided, single submitter. Criteria: Invitae Variant Classification Sherloc (09022015). Collection method: clinical testing. Allele origin: germline.

GeneDx
Classification: Benign. Last evaluated: 2022-01-14. Review status: criteria provided, single submitter. Criteria: GeneDx Variant Classification Process June 2021. Collection method: clinical testing. Allele origin: germline. Affected: yes.

Breakthrough Genomics
Classification: Benign. Review status: criteria provided, single submitter. Criteria: ACMG Guidelines, 2015. Collection method: not provided. Allele origin: germline. Inheritance: Unknown mechanism. Affected: yes.

PreventionGenetics, part of Exact Sciences
Classification: Benign for FBN3-related condition. Last evaluated: 2019-02-21. Review status: no assertion criteria provided. Collection method: clinical testing. Allele origin: germline. Not counted in ClinVar's aggregate classification.
Comment: This variant is classified as benign based on ACMG/AMP sequence variant interpretation guidelines (Richards et al. 2015 PMID: 25741868, with internal and published modifications).

NM_032447.5(FBN3):c.6183C>T (p.Ser2061=)

Gene: FBN3 (fibrillin 3; minus strand). Cytogenetic location: 19p13.2.
Variant type: single nucleotide variant.
Coding change: c.6183C>T on transcript NM_032447.5 (MANE Select); coding-DNA position 6183, C replaced by T.
Protein change: p.Ser2061=; no amino-acid change (serine 2061 retained).
Molecular consequence: synonymous variant.
Genome position (GRCh38, 1-based): chr19:8,090,100, G>A on the plus strand (C>T on the coding strand, the complement: FBN3 is on the minus strand). VCF-style: chr19-8090100-G-A. GRCh37 (hg19) VCF-style: chr19-8154984-G-A.
Other names: c.6183C>T, p.Ser2061= (NM_001321431.2); c.6183C>T (NM_001321431.1).
Identifiers: ClinVar variation 1334326 (VCV001334326.12), dbSNP rs56194853, ClinGen allele CA9151400.